The following is an entry in ClinVar:

ClinVar aggregate classification (germline): Conflicting classifications of pathogenicity. Review status: criteria provided, conflicting classifications (1 of 4 stars). 2 submissions from 2 submitters: Pathogenic (1); Uncertain significance (1). Last evaluated 2026-01-08.

Conditions:
Hereditary cancer-predisposing syndrome. Also called: Tumor predisposition; Hereditary Cancer Syndrome; Neoplastic Syndromes, Hereditary; Hereditary neoplastic syndrome. Identifiers: Orphanet 140162, MedGen C0027672, MeSH D009386, MONDO:0015356.

Allele frequency attached by ClinVar (database versions not stated): gnomAD exomes below 0.00001; gnomAD 0.00001.
gnomAD v4.1: 3 of 1,613,810 alleles (0.00019%); highest among the groups gnomAD compares: South Asian, 0.0011%; no homozygotes.

Submissions (2):

Ambry Genetics
Classification: Uncertain significance for Hereditary cancer-predisposing syndrome. Last evaluated: 2026-01-08. Review status: criteria provided, single submitter. Criteria: Ambry Variant Classification Scheme 2023. Collection method: clinical testing. Allele origin: germline.
Comment: The p.R1909* variant (also known as c.5725C>T), located in coding exon 42 of the POLE gene, results from a C to T substitution at nucleotide position 5725. This changes the amino acid from an arginine to a stop codon within coding exon 42. This alteration is expected to result in loss of function by premature protein truncation or nonsense-mediated mRNA decay. Although biallelic loss of function of POLE has been associated with autosomal recessive POLE deficiency, haploinsufficiency of POLE has not been established as a mechanism of disease for POLE-related polymerase proofreading-associated polyposis (PPAP) and POLE-related CMMRD-like syndrome. Based on the supporting evidence, this variant is expected to be causative of POLE deficiency when present along with a second pathogenic variant on the other allele; however, its clinical significance for PPAP and POLE-related CMMRD-like syndrome is unclear.

Labcorp Genetics (formerly Invitae), Labcorp
Classification: Pathogenic. Last evaluated: 2026-01-06. Review status: criteria provided, single submitter. Criteria: Invitae Variant Classification Sherloc (09022015). Collection method: clinical testing. Allele origin: germline.
Comment: This sequence change creates a premature translational stop signal (p.Arg1909*) in the POLE gene. It is expected to result in an absent or disrupted protein product. Loss-of-function variants in POLE are known to be pathogenic (PMID: 23230001, 25948378, 30503519). This variant is present in population databases (no rsID available, gnomAD 0.007%). This variant has not been reported in the literature in individuals affected with POLE-related conditions. ClinVar contains an entry for this variant (Variation ID: 484471). For these reasons, this variant has been classified as Pathogenic.

Literature cited by the submitters: PubMed 39269552 (cited by Ambry Genetics); PubMed 23230001 (cited by Labcorp Genetics (formerly Invitae), Labcorp); PubMed 25948378 (cited by Labcorp Genetics (formerly Invitae), Labcorp); PubMed 30503519 (cited by Labcorp Genetics (formerly Invitae), Labcorp).

NM_006231.4(POLE):c.5725C>T (p.Arg1909Ter)

Gene: POLE (DNA polymerase epsilon, catalytic subunit; minus strand). Cytogenetic location: 12q24.33.
Variant type: single nucleotide variant.
Coding change: c.5725C>T on transcript NM_006231.4 (MANE Select); coding-DNA position 5725, C replaced by T.
Protein change: p.Arg1909Ter; replaces arginine 1909 with a stop codon.
Molecular consequence: nonsense.
Genome position (GRCh38, 1-based): chr12:132,635,978, G>A on the plus strand (C>T on the coding strand, the complement: POLE is on the minus strand). VCF-style: chr12-132635978-G-A. GRCh37 (hg19) VCF-style: chr12-133212564-G-A.
Other names: short protein forms R1909*.
Identifiers: ClinVar variation 484471 (VCV000484471.16), dbSNP rs1380204151, ClinGen allele CA387373135.